The following is an entry in ClinVar:

ClinVar aggregate classification (germline): Pathogenic/Likely pathogenic. Review status: criteria provided, multiple submitters, no conflicts (2 of 4 stars). 2 submissions from 2 submitters: Pathogenic (1); Likely pathogenic (1). Last evaluated 2024-05-13.

Conditions:
Long QT syndrome (LQTS). Identifiers: MedGen C0023976, MeSH D008133, MONDO:0002442. Disease mechanism: loss of function. Inheritance: Various modes of inheritance.

Submissions (2):

Labcorp Genetics (formerly Invitae), Labcorp
Classification: Likely pathogenic for Long QT syndrome. Last evaluated: 2024-05-13. Review status: criteria provided, single submitter. Criteria: Invitae Variant Classification Sherloc (09022015). Collection method: clinical testing. Allele origin: germline.
Comment: This sequence change replaces serine, which is neutral and polar, with glycine, which is neutral and non-polar, at codon 620 of the KCNH2 protein (p.Ser620Gly). This variant is not present in population databases (gnomAD no frequency). This missense change has been observed in individual(s) with clinical features of long QT syndrome (PMID: 26066609; Invitae). In at least one individual the variant was observed to be de novo. ClinVar contains an entry for this variant (Variation ID: 1189275). An algorithm developed to predict the effect of missense changes on protein structure and function (PolyPhen-2) suggests that this variant is likely to be disruptive. Experimental studies have shown that this missense change affects KCNH2 function (PMID: 26066609). In summary, the currently available evidence indicates that the variant is pathogenic, but additional data are needed to prove that conclusively. Therefore, this variant has been classified as Likely Pathogenic.

GeneDx
Classification: Pathogenic. Last evaluated: 2021-03-05. Review status: criteria provided, single submitter. Criteria: GeneDx Variant Classification Process June 2021. Collection method: clinical testing. Allele origin: germline. Affected: yes.
Comment: Not observed in large population cohorts (Lek et al., 2016); Published functional studies performed in Xenopus laevis oocytes demonstrated S620G mutant KCNH2 channels result in a complete loss-of-function (Steffensen et al., 2015); In silico analysis, which includes protein predictors and evolutionary conservation, supports a deleterious effect; This variant is associated with the following publications: (PMID: 26066609)

Literature cited by the submitters: PubMed 26066609 (cited by Labcorp Genetics (formerly Invitae), Labcorp).

NM_000238.4(KCNH2):c.1858A>G (p.Ser620Gly)

Gene: KCNH2 (potassium voltage-gated channel subfamily H member 2; minus strand). Cytogenetic location: 7q36.1.
Variant type: single nucleotide variant.
Coding change: c.1858A>G on transcript NM_000238.4 (MANE Select); coding-DNA position 1858, A replaced by G.
Protein change: p.Ser620Gly; replaces serine 620 with glycine.
Molecular consequence: missense variant.
Genome position (GRCh38, 1-based): chr7:150,951,535, T>C on the plus strand (A>G on the coding strand, the complement: KCNH2 is on the minus strand). VCF-style: chr7-150951535-T-C. GRCh37 (hg19) VCF-style: chr7-150648623-T-C.
Other names: c.838A>G, p.Ser280Gly (NM_001204798.2, NM_172057.3); c.1570A>G, p.Ser524Gly (NM_001406753.1, NM_001406756.1); c.1681A>G, p.Ser561Gly (NM_001406755.1); c.1558A>G, p.Ser520Gly (NM_001406757.1); c.1858A>G, p.Ser620Gly (NM_172056.3); short protein forms S280G, S620G, S524G, S520G, S561G.
Identifiers: ClinVar variation 1189275 (VCV001189275.6), dbSNP rs2116960125, ClinGen allele CA369857940.
Genomic context (GRCh38, chr7:150,951,535, plus strand): 5'-AGATCTTCTCTGAGTTGGTGTTGGGAGAGACGTTGCCGAAGCCCACACTGGTGAGGCTGC[T>C]GAAGGTGAAGTAGAGCGCCGTCACATACTTGTCCTTGATGGAGGGGCCGCCCAGGCCGCT-3'
Protein context (NP_000229.1, residues 610-630): KYVTALYFTF[Ser620Gly]SLTSVGFGNV